The following is an entry in ClinVar:

ClinVar aggregate classification (germline): Uncertain significance (1 of 4 stars; one submission).

Conditions:
CHRND-related disorder. Also called: CHRND-related condition; CHRND-Related Disorders.

Submission:

PreventionGenetics, part of Exact Sciences
Classification: Uncertain significance for CHRND-related condition. Last evaluated: 2026-04-09. Review status: criteria provided, single submitter. Criteria: ACMG Guidelines, 2015. Collection method: clinical testing. Allele origin: germline.
Comment: The CHRND c.481G>C variant is predicted to result in the amino acid substitution p.Asp161His. To our knowledge, this variant has not been reported in the literature or in a large population database (gnomAD), indicating this variant is rare. At this time, the clinical significance of this variant is uncertain due to the absence of conclusive functional and genetic evidence.

NM_000751.3(CHRND):c.481G>C (p.Asp161His)

Gene: CHRND (cholinergic receptor nicotinic delta subunit; plus strand). Cytogenetic location: 2q37.1.
Variant type: single nucleotide variant.
Coding change: c.481G>C on transcript NM_000751.3 (MANE Select); coding-DNA position 481, G replaced by C.
Protein change: p.Asp161His; replaces aspartic acid 161 with histidine.
Molecular consequence: missense variant. On other transcripts: synonymous variant (1).
Genome position (GRCh38, 1-based): chr2:232,528,628, G>C. VCF-style: chr2-232528628-G-C. GRCh37 (hg19) VCF-style: chr2-233393338-G-C.
Other names: c.436G>C, p.Asp146His (NM_001256657.2); c.210G>C, p.Ser70= (NM_001311195.2); c.178G>C, p.Asp60His (NM_001311196.2); short protein forms D146H, D161H, D60H.
Identifiers: ClinVar variation 2631233 (VCV002631233.2), dbSNP rs755085400, ClinGen allele CA350998458.